The following is an entry in ClinVar:

ClinVar aggregate classification (germline): Likely benign. Review status: criteria provided, multiple submitters, no conflicts (2 of 4 stars). 2 submissions from 2 submitters: Likely benign (2). Last evaluated 2026-04-01.

Allele frequency attached by ClinVar (database versions not stated): 1000 Genomes Project 30x 0.00016.
gnomAD v4.1: 74 of 1,614,102 alleles (0.0046%); highest among the groups gnomAD compares: South Asian, 0.0077%; no homozygotes.

Submissions (2):

CeGaT Center for Human Genetics Tuebingen
Classification: Likely benign. Last evaluated: 2026-04-01. Review status: criteria provided, single submitter. Criteria: CeGaT Center For Human Genetics Tuebingen Variant Classification Criteria Version 2. Collection method: clinical testing. Allele origin: germline. Affected: yes. Observed: 2 variant alleles.
Comment: MLC1: BP4, BP7

Labcorp Genetics (formerly Invitae), Labcorp
Classification: Likely benign. Last evaluated: 2024-02-11. Review status: criteria provided, single submitter. Criteria: Invitae Variant Classification Sherloc (09022015). Collection method: clinical testing. Allele origin: germline.

NM_015166.4(MLC1):c.654C>T (p.Asn218=)

Gene: MLC1 (modulator of VRAC current 1; minus strand). Cytogenetic location: 22q13.33.
Variant type: single nucleotide variant.
Coding change: c.654C>T on transcript NM_015166.4 (MANE Select); coding-DNA position 654, C replaced by T.
Protein change: p.Asn218=; no amino-acid change (asparagine 218 retained).
Molecular consequence: synonymous variant. On other transcripts: non-coding transcript variant (3).
Genome position (GRCh38, 1-based): chr22:50,074,276, G>A on the plus strand (C>T on the coding strand, the complement: MLC1 is on the minus strand). VCF-style: chr22-50074276-G-A. GRCh37 (hg19) VCF-style: chr22-50512705-G-A.
Other names: c.654C>T, p.Asn218= (NM_001376472.1, NM_001376473.1, NM_001376474.1 and 6 more transcripts); c.564C>T, p.Asn188= (NM_001376480.1); c.552C>T, p.Asn184= (NM_001376481.1); c.498C>T, p.Asn166= (NM_001376482.1, NM_001376483.1); c.417C>T, p.Asn139= (NM_001376484.1).
Identifiers: ClinVar variation 1143678 (VCV001143678.23), dbSNP rs41302601, ClinGen allele CA10303426.
Genomic context (GRCh38, chr22:50,074,276, plus strand): 5'-GGCCACTAGGATCCAAAAGAACGTCACTGAGAGGTGTGGGCCTGAAACTGAGTCATCCAC[G>A]TTCAGGGCAATGATCCCCCCGAGGACGGCAGAGATGCCTGCGATTACCTCGACGACCTGG-3'
Protein context (NP_055981.1, residues 208-228): SAVLGGIIAL[Asn218=]VDDSVSGPHL